The following is an entry in ClinVar:

ClinVar aggregate classification (germline): Uncertain significance. Review status: criteria provided, multiple submitters, no conflicts (2 of 4 stars). 3 submissions from 3 submitters: Uncertain significance (3). Last evaluated 2026-09-02.

Conditions:
Intellectual developmental disorder with autism and macrocephaly. Also called: CHD8-Related Neurodevelopmental Disorder with Overgrowth; Autism, susceptibility to, 18. Identifiers: Orphanet 642675, MedGen C3554373, MONDO:0014017, OMIM 615032.

Allele frequency attached by ClinVar (database versions not stated): TOPMed below 0.00001; gnomAD exomes 0.00001.
gnomAD v4.1: 14 of 1,597,686 alleles (0.00088%); highest among the groups gnomAD compares: East Asian, 0.0023%; no homozygotes.

Submissions (3):

GeneDx
Classification: Uncertain significance. Last evaluated: 2026-09-02. Review status: criteria provided, single submitter. Criteria: GeneDx Variant Classification Process June 2021. Collection method: clinical testing. Allele origin: germline.
Comment: Not observed at significant frequency in large population cohorts (gnomAD); In silico analysis supports that this missense variant has a deleterious effect on protein structure/function; Has not been previously published as pathogenic or benign to our knowledge

Labcorp Genetics (formerly Invitae), Labcorp
Classification: Uncertain significance. Last evaluated: 2023-04-25. Review status: criteria provided, single submitter. Criteria: Invitae Variant Classification Sherloc (09022015). Collection method: clinical testing. Allele origin: germline.
Comment: In summary, the available evidence is currently insufficient to determine the role of this variant in disease. Therefore, it has been classified as a Variant of Uncertain Significance. Advanced modeling of protein sequence and biophysical properties (such as structural, functional, and spatial information, amino acid conservation, physicochemical variation, residue mobility, and thermodynamic stability) performed at Invitae indicates that this missense variant is expected to disrupt CHD8 protein function. ClinVar contains an entry for this variant (Variation ID: 421506). This variant has not been reported in the literature in individuals affected with CHD8-related conditions. This variant is not present in population databases (gnomAD no frequency). This sequence change replaces alanine, which is neutral and non-polar, with threonine, which is neutral and polar, at codon 922 of the CHD8 protein (p.Ala922Thr).

Victorian Clinical Genetics Services, Murdoch Childrens Research Institute
Classification: Uncertain significance for Intellectual developmental disorder with autism and macrocephaly. Last evaluated: 2020-05-26. Review status: criteria provided, single submitter. Criteria: ACMG Guidelines, 2015. Collection method: clinical testing. Allele origin: germline. Inheritance: Autosomal dominant inheritance.
Comment: Based on the classification scheme VCGS_Germline_v1.1.1, this variant is classified as a 3B-VUS. Following criteria are met: 0102 - Loss-of-function is a known mechanism of disease for this gene. NMD-predicted variants resulting in loss of protein function have previously been reported in this gene, however the mechanism for missese variants is currently unknown (ClinVar). (N) 0107 - This gene is known to be associated with autosomal dominant disease. (N) 0200 - Variant is predicted to result in a missense amino acid change from an alanine to a threonine (exon 14). (N) 0251 - Variant is heterozygous. (N) 0301 - Variant is absent from gnomAD. (P) 0309 - An alternative amino acid change at the same position has been observed in gnomAD (1 heterozygote, 0 homozygote). (N) 0502 - Missense variant with conflicting in silico predictions and/or uninformative conservation. (N) 0600 - Variant is located in an annotated domain or motif (Dead-like helicase N super family). (N) 0705 - No comparable variants have previous evidence for pathogenicity. (N) 0804 - Variant is absent in the population and has previously been described as a variant of uncertain significance (ClinVar). (N) 0905 - No segregation evidence has been identified for this variant. (N) 1007 - No published functional evidence has been identified for this variant. (N) 1208 - Inheritance information for this variant is not currently available. (N) Legend: (P) - Pathogenic, (N) - Neutral, (B) - Benign

NM_001170629.2(CHD8):c.2764G>A (p.Ala922Thr)

Gene: CHD8 (chromodomain helicase DNA binding protein 8; minus strand). Cytogenetic location: 14q11.2.
Variant type: single nucleotide variant.
Coding change: c.2764G>A on transcript NM_001170629.2 (MANE Select); coding-DNA position 2764, G replaced by A.
Protein change: p.Ala922Thr; replaces alanine 922 with threonine.
Molecular consequence: missense variant.
Genome position (GRCh38, 1-based): chr14:21,406,999, C>T on the plus strand (G>A on the coding strand, the complement: CHD8 is on the minus strand). VCF-style: chr14-21406999-C-T. GRCh37 (hg19) VCF-style: chr14-21875158-C-T.
Other names: c.1927G>A, p.Ala643Thr (NM_020920.4); short protein forms A643T, A922T.
Identifiers: ClinVar variation 421506 (VCV000421506.8), dbSNP rs1013103711, ClinGen allele CA16619837.